The following is an entry in ClinVar:

NM_004859.4(CLTC):c.796-1G>A

Gene: CLTC (clathrin heavy chain; plus strand). Cytogenetic location: 17q23.1.
Variant type: single nucleotide variant.
Coding change: c.796-1G>A on transcript NM_004859.4 (MANE Select); the canonical splice acceptor site of the intron before coding-DNA position 796, G replaced by A.
Molecular consequence: splice acceptor variant.
Genome position (GRCh38, 1-based): chr17:59,655,853, G>A. VCF-style: chr17-59655853-G-A. GRCh37 (hg19) VCF-style: chr17-57733214-G-A.
Other names: c.808-1G>A (NM_001288653.2).
Identifiers: ClinVar variation 2002438 (VCV002002438.4), dbSNP rs2509371071, ClinGen allele CA400422573.

ClinVar aggregate classification (germline): Likely pathogenic (1 of 4 stars; one submission).

Submission:

Labcorp Genetics (formerly Invitae), Labcorp
Classification: Likely pathogenic. Last evaluated: 2022-06-04. Review status: criteria provided, single submitter. Criteria: Invitae Variant Classification Sherloc (09022015). Collection method: clinical testing. Allele origin: germline.
Comment: In summary, the currently available evidence indicates that the variant is pathogenic, but additional data are needed to prove that conclusively. Therefore, this variant has been classified as Likely Pathogenic. Algorithms developed to predict the effect of sequence changes on RNA splicing suggest that this variant may disrupt the consensus splice site. This variant has not been reported in the literature in individuals affected with CLTC-related conditions. This variant is not present in population databases (gnomAD no frequency). This sequence change affects an acceptor splice site in intron 5 of the CLTC gene. It is expected to disrupt RNA splicing. Variants that disrupt the donor or acceptor splice site typically lead to a loss of protein function (PMID: 16199547), and loss-of-function variants in CLTC are known to be pathogenic (PMID: 29100083).

Literature cited by the submitters: PubMed 16199547; PubMed 29100083.